The following is an entry in ClinVar:

NM_005802.5(TOPORS):c.488T>A (p.Leu163Gln)

Gene: TOPORS (TOP1 binding arginine/serine rich protein, E3 ubiquitin ligase; minus strand). Cytogenetic location: 9p21.1.
Variant type: single nucleotide variant.
Coding change: c.488T>A on transcript NM_005802.5 (MANE Select); coding-DNA position 488, T replaced by A.
Protein change: p.Leu163Gln; replaces leucine 163 with glutamine.
Molecular consequence: missense variant.
Genome position (GRCh38, 1-based): chr9:32,544,037, A>T on the plus strand (T>A on the coding strand, the complement: TOPORS is on the minus strand). VCF-style: chr9-32544037-A-T. GRCh37 (hg19) VCF-style: chr9-32544035-A-T.
Other names: c.293T>A, p.Leu98Gln (NM_001195622.2); short protein forms L163Q, L98Q.
Identifiers: ClinVar variation 943298 (VCV000943298.9), dbSNP rs1821111241, ClinGen allele CA373172511.

ClinVar aggregate classification (germline): Uncertain significance (1 of 4 stars; one submission).

Submission:

Labcorp Genetics (formerly Invitae), Labcorp
Classification: Uncertain significance. Last evaluated: 2022-02-10. Review status: criteria provided, single submitter. Criteria: Invitae Variant Classification Sherloc (09022015). Collection method: clinical testing. Allele origin: germline.
Comment: In summary, the available evidence is currently insufficient to determine the role of this variant in disease. Therefore, it has been classified as a Variant of Uncertain Significance. Algorithms developed to predict the effect of missense changes on protein structure and function are either unavailable or do not agree on the potential impact of this missense change (SIFT: "Deleterious"; PolyPhen-2: "Probably Damaging"; Align-GVGD: "Class C0"). ClinVar contains an entry for this variant (Variation ID: 943298). This missense change has been observed in individual(s) with retinitis pigmentosa (Invitae). This variant is not present in population databases (gnomAD no frequency). This sequence change replaces leucine, which is neutral and non-polar, with glutamine, which is neutral and polar, at codon 163 of the TOPORS protein (p.Leu163Gln).